The following is an entry in ClinVar:

ClinVar aggregate classification (germline): Conflicting classifications of pathogenicity. Review status: criteria provided, conflicting classifications (1 of 4 stars). 4 submissions from 4 submitters: Pathogenic (1); Likely pathogenic (1); Uncertain significance (2). Last evaluated 2026-01-09.

Conditions:
USH2A-related disorder. Also called: USH2A-related condition; USH2A-related disorders. Identifiers: MedGen CN239332.

gnomAD v4.1: 3 of 1,613,928 alleles (0.00019%); highest among the groups gnomAD compares: Non-Finnish European, 0.00025%; no homozygotes.

Submissions (4):

Dasa
Classification: Uncertain significance. Last evaluated: 2026-01-09. Review status: criteria provided, single submitter. Criteria: DASA Assertion Criteria. Collection method: clinical testing. Allele origin: germline.
Comment: NM_206933.4(USH2A):c.8395G>C (p.Gly2799Arg) is a missense variant that results in the substitution of glycine with arginine. This variant has been reported in individuals with USH2A-related disorders (PMID: 33576794). Also, this variant is rare in population databases. The currently available literature and clinical evidence are not sufficient to establish a definitive association between this variant and the reported condition. Therefore, this variant is classified as a variant of uncertain significance.

Labcorp Genetics (formerly Invitae), Labcorp
Classification: Pathogenic. Last evaluated: 2025-09-08. Review status: criteria provided, single submitter. Criteria: Invitae Variant Classification Sherloc (09022015). Collection method: clinical testing. Allele origin: germline.
Comment: This sequence change replaces glycine, which is neutral and non-polar, with arginine, which is basic and polar, at codon 2799 of the USH2A protein (p.Gly2799Arg). This variant is not present in population databases (gnomAD no frequency). This missense change has been observed in individual(s) with USH2A-related conditions (PMID: 34781295, 36460718, 37009079). ClinVar contains an entry for this variant (Variation ID: 3336573). Invitae Evidence Modeling of protein sequence and biophysical properties (such as structural, functional, and spatial information, amino acid conservation, physicochemical variation, residue mobility, and thermodynamic stability) indicates that this missense variant is expected to disrupt USH2A protein function with a positive predictive value of 95%. For these reasons, this variant has been classified as Pathogenic.

Women's Health and Genetics/Laboratory Corporation of America, LabCorp
Classification: Uncertain significance. Last evaluated: 2025-08-01. Review status: criteria provided, single submitter. Criteria: LabCorp Variant Classification Summary - May 2015. Collection method: clinical testing. Allele origin: germline.
Comment: Variant summary: USH2A c.8395G>C (p.Gly2799Arg) results in a non-conservative amino acid change located in the Fibronectin type III domain (IPR003961) of the encoded protein sequence. Algorithms developed to predict the effect of missense changes on protein structure and function are either unavailable or do not agree on the potential impact of this missense change. The variant was absent in 251328 control chromosomes. The available data on variant occurrences in the general population are insufficient to allow any conclusion about variant significance. c.8395G>C has been reported in the literature in a compound heterozygous individual affected with retinitis pigmentosa with suspected Usher Syndrome (e.g. Park_2021), in a homozygous individual affected with retinitis pigmentosa without evidence for causality (e.g. Colombo_2021), or in an individual with an inherited retinal disorder without reported genotype (e.g. Karali_2022). These data do not allow any conclusion about variant significance. To our knowledge, no experimental evidence demonstrating an impact on protein function has been reported. The following publications have been ascertained in the context of this evaluation (PMID: 33576794, 36460718, 37009079). ClinVar contains an entry for this variant (Variation ID: 3336573). Based on the evidence outlined above, the variant was classified as uncertain significance.

Blueprint Genetics
Classification: Likely pathogenic for USH2A-related disorders. Last evaluated: 2023-03-13. Review status: criteria provided, single submitter. Criteria: ACMG Guidelines, 2015. Collection method: clinical testing. Allele origin: germline. Affected: yes. Observed: 3 variant alleles.

Literature cited by the submitters: PubMed 33576794 (cited by Dasa and Women's Health and Genetics/Laboratory Corporation of America, LabCorp); PubMed 37009079 (cited by 3 submitters); PubMed 36460718 (cited by 3 submitters); PubMed 34781295 (cited by Labcorp Genetics (formerly Invitae), Labcorp).

NM_206933.4(USH2A):c.8395G>C (p.Gly2799Arg)

Gene: USH2A (usherin; minus strand). Cytogenetic location: 1q41.
Variant type: single nucleotide variant.
Coding change: c.8395G>C on transcript NM_206933.4 (MANE Select); coding-DNA position 8395, G replaced by C.
Protein change: p.Gly2799Arg; replaces glycine 2799 with arginine.
Molecular consequence: missense variant.
Genome position (GRCh38, 1-based): chr1:215,878,927, C>G on the plus strand (G>C on the coding strand, the complement: USH2A is on the minus strand). VCF-style: chr1-215878927-C-G. GRCh37 (hg19) VCF-style: chr1-216052269-C-G.
Other names: short protein forms G2799R.
Identifiers: ClinVar variation 3336573 (VCV003336573.7).
Genomic context (GRCh38, chr1:215,878,927, plus strand): 5'-TGGGGTGAGTGGTAACATAGGTAGGTAAACTCTCTGTGCACCCTCCAAGGTACCCATTAC[C>G]CCCTGAGCAAGCAACAATGGTGACAGAATAATTAGTGAAAGGAATCAGATGAGTAACTTT-3'
Protein context (NP_996816.3, residues 2789-2809): YSVTIVACSG[Gly2799Arg]NGYLGGCTES